The following is an entry in ClinVar:

NM_000334.4(SCN4A):c.4075A>C (p.Ile1359Leu)

Genes: GH-LCR (growth hormone locus control region; plus strand), SCN4A (sodium voltage-gated channel alpha subunit 4; minus strand). Cytogenetic location: 17q23.3.
Variant type: single nucleotide variant.
Coding change: c.4075A>C on transcript NM_000334.4 (MANE Select); coding-DNA position 4075, A replaced by C.
Protein change: p.Ile1359Leu; replaces isoleucine 1359 with leucine.
Molecular consequence: missense variant.
Genome position (GRCh38, 1-based): chr17:63,943,039, T>G on the plus strand (A>C on the coding strand, the complement: SCN4A is on the minus strand). VCF-style: chr17-63943039-T-G. GRCh37 (hg19) VCF-style: chr17-62020399-T-G.
Other names: short protein forms I1359L.
Identifiers: ClinVar variation 3665362 (VCV003665362.2).

ClinVar aggregate classification (germline): Uncertain significance (1 of 4 stars; one submission).

Conditions:
Hyperkalemic periodic paralysis. Also called: Familial hyperkalemic periodic paralysis; Gamstorp disease. Identifiers: Orphanet 682, MedGen C0238357, MONDO:0008224, OMIM 170500, HP:0007215.

Submission:

Labcorp Genetics (formerly Invitae), Labcorp
Classification: Uncertain significance for Hyperkalemic periodic paralysis. Last evaluated: 2025-12-01. Review status: criteria provided, single submitter. Criteria: Invitae Variant Classification Sherloc (09022015). Collection method: clinical testing. Allele origin: germline.
Comment: This sequence change replaces isoleucine, which is neutral and non-polar, with leucine, which is neutral and non-polar, at codon 1359 of the SCN4A protein (p.Ile1359Leu). This variant is not present in population databases (gnomAD no frequency). This variant has not been reported in the literature in individuals affected with SCN4A-related conditions. ClinVar contains an entry for this variant (Variation ID: 3665362). Invitae Evidence Modeling of protein sequence and biophysical properties (such as structural, functional, and spatial information, amino acid conservation, physicochemical variation, residue mobility, and thermodynamic stability) indicates that this missense variant is expected to disrupt SCN4A protein function with a positive predictive value of 95%. In summary, the available evidence is currently insufficient to determine the role of this variant in disease. Therefore, it has been classified as a Variant of Uncertain Significance.